The following is an entry in ClinVar:

ClinVar aggregate classification (germline): Uncertain significance. Review status: criteria provided, single submitter (1 of 4 stars). 2 submissions from 2 submitters: Uncertain significance (1). 1 of the submissions does not count toward it. Last evaluated 2021-03-17.

Conditions:
Ataxia-telangiectasia syndrome (AT). Also called: Ataxia-telangiectasia, complementation group D; AT, COMPLEMENTATION GROUP C; ATAXIA-TELANGIECTASIA, COMPLEMENTATION GROUP A; ATAXIA-TELANGIECTASIA, FRESNO VARIANT; Ataxia-telangiectasia; Ataxia telangiectasia (A-T). Identifiers: Orphanet 100, MedGen C0004135, MONDO:0008840, OMIM 208900.

Submissions (2):

Labcorp Genetics (formerly Invitae), Labcorp
Classification: Uncertain significance for Ataxia-telangiectasia syndrome. Last evaluated: 2021-03-17. Review status: criteria provided, single submitter. Criteria: Invitae Variant Classification Sherloc (09022015). Collection method: clinical testing. Allele origin: germline.
Comment: This sequence change replaces isoleucine with threonine at codon 2560 of the ATM protein (p.Ile2560Thr). The isoleucine residue is highly conserved and there is a moderate physicochemical difference between isoleucine and threonine. This variant is not present in population databases (ExAC no frequency). In summary, the available evidence is currently insufficient to determine the role of this variant in disease. Therefore, it has been classified as a Variant of Uncertain Significance. Algorithms developed to predict the effect of missense changes on protein structure and function (SIFT, PolyPhen-2, Align-GVGD) all suggest that this variant is likely to be disruptive, but these predictions have not been confirmed by published functional studies and their clinical significance is uncertain. This variant has not been reported in the literature in individuals with ATM-related conditions.

Natera, Inc.
Classification: Uncertain significance for Ataxia-telangiectasia. Last evaluated: 2020-02-21. Review status: no assertion criteria provided. Collection method: clinical testing. Allele origin: germline. Not counted in ClinVar's aggregate classification.

NM_000051.4(ATM):c.7679T>C (p.Ile2560Thr)

Genes: ATM (ATM serine/threonine kinase; plus strand), C11orf65 (chromosome 11 open reading frame 65; minus strand). Cytogenetic location: 11q22.3.
Variant type: single nucleotide variant.
Coding change: c.7679T>C on transcript NM_000051.4 (MANE Select); coding-DNA position 7679, T replaced by C.
Protein change: p.Ile2560Thr; replaces isoleucine 2560 with threonine.
Molecular consequence: missense variant. On other transcripts: intron variant (2).
Genome position (GRCh38, 1-based): chr11:108,331,928, T>C. VCF-style: chr11-108331928-T-C. GRCh37 (hg19) VCF-style: chr11-108202655-T-C.
Other names: c.7679T>C, p.Ile2560Thr (NM_001351834.2); c.641-22857A>G (NM_001330368.2); c.*38+3292A>G (NM_001351110.2); short protein forms I2560T.
Identifiers: ClinVar variation 948910 (VCV000948910.21), dbSNP rs2086294390, ClinGen allele CA382560993.
Genomic context (GRCh38, chr11:108,331,928, plus strand): 5'-TTTTCTTACAGCTAATCTCTAGAATTTCAATGGATCACCCCCATCACACTTTGTTTATTA[T>C]ACTGGCCTTAGCAAATGCAAACAGAGATGAATTTCTGACTAAACCAGAGGTAGCCAGAAG-3'
Protein context (NP_000042.3, residues 2550-2570): MDHPHHTLFI[Ile2560Thr]LALANANRDE